The following is an entry in ClinVar:

ClinVar aggregate classification (germline): Uncertain significance. Review status: criteria provided, multiple submitters, no conflicts (2 of 4 stars). 3 submissions from 3 submitters: Uncertain significance (3). Last evaluated 2025-12-31.

Conditions:
Hereditary cancer-predisposing syndrome. Also called: Tumor predisposition; Neoplastic Syndromes, Hereditary; Hereditary Cancer Syndrome; Hereditary neoplastic syndrome. Identifiers: Orphanet 140162, MedGen C0027672, MeSH D009386, MONDO:0015356.
Ataxia-telangiectasia syndrome (AT). Also called: Cerebello-oculocutaneous telangiectasia; Immunodeficiency with ataxia telangiectasia; ATAXIA-TELANGIECTASIA, COMPLEMENTATION GROUP A; Ataxia-telangiectasia, complementation group D; AT, COMPLEMENTATION GROUP C; ATAXIA-TELANGIECTASIA, FRESNO VARIANT. Identifiers: Orphanet 100, MedGen C0004135, MONDO:0008840, OMIM 208900.

Submissions (3):

Labcorp Genetics (formerly Invitae), Labcorp
Classification: Uncertain significance for Ataxia-telangiectasia syndrome. Last evaluated: 2025-12-31. Review status: criteria provided, single submitter. Criteria: Invitae Variant Classification Sherloc (09022015). Collection method: clinical testing. Allele origin: germline.
Comment: This sequence change replaces lysine, which is basic and polar, with glutamine, which is neutral and polar, at codon 578 of the ATM protein (p.Lys578Gln). This variant is not present in population databases (gnomAD no frequency). This variant has not been reported in the literature in individuals affected with ATM-related conditions. ClinVar contains an entry for this variant (Variation ID: 479107). Invitae Evidence Modeling of protein sequence and biophysical properties (such as structural, functional, and spatial information, amino acid conservation, physicochemical variation, residue mobility, and thermodynamic stability) indicates that this missense variant is not expected to disrupt ATM protein function with a negative predictive value of 95%. In summary, the available evidence is currently insufficient to determine the role of this variant in disease. Therefore, it has been classified as a Variant of Uncertain Significance.

Ambry Genetics
Classification: Uncertain significance for Hereditary cancer-predisposing syndrome. Last evaluated: 2025-11-27. Review status: criteria provided, single submitter. Criteria: Ambry Variant Classification Scheme 2023. Collection method: clinical testing. Allele origin: germline.
Comment: The p.K578Q variant (also known as c.1732A>C), located in coding exon 10 of the ATM gene, results from an A to C substitution at nucleotide position 1732. The lysine at codon 578 is replaced by glutamine, an amino acid with similar properties. This amino acid position is not well conserved in available vertebrate species. In addition, this alteration is predicted to be tolerated by in silico analysis. Since supporting evidence is limited at this time, the clinical significance of this alteration remains unclear.

Color Diagnostics, LLC DBA Color Health
Classification: Uncertain significance for Hereditary cancer-predisposing syndrome. Last evaluated: 2023-12-05. Review status: criteria provided, single submitter. Criteria: ACMG Guidelines, 2015. Collection method: clinical testing. Allele origin: germline.
Comment: This missense variant replaces lysine with glutamine at codon 578 of the ATM protein. Computational prediction suggests that this variant may not impact protein structure and function (internally defined REVEL score threshold <= 0.5, PMID: 27666373). To our knowledge, functional studies have not been reported for this variant. This variant has not been reported in individuals affected with ATM-related disorders in the literature. This variant has not been identified in the general population by the Genome Aggregation Database (gnomAD). The available evidence is insufficient to determine the role of this variant in disease conclusively. Therefore, this variant is classified as a Variant of Uncertain Significance.

NM_000051.4(ATM):c.1732A>C (p.Lys578Gln)

Gene: ATM (ATM serine/threonine kinase; plus strand). Cytogenetic location: 11q22.3.
Variant type: single nucleotide variant.
Coding change: c.1732A>C on transcript NM_000051.4 (MANE Select); coding-DNA position 1732, A replaced by C.
Protein change: p.Lys578Gln; replaces lysine 578 with glutamine.
Molecular consequence: missense variant.
Genome position (GRCh38, 1-based): chr11:108,251,961, A>C. VCF-style: chr11-108251961-A-C. GRCh37 (hg19) VCF-style: chr11-108122688-A-C.
Other names: c.1732A>C, p.Lys578Gln (NM_001351834.2); short protein forms K578Q.
Identifiers: ClinVar variation 479107 (VCV000479107.16), dbSNP rs1555071926, ClinGen allele CA382535306.
Genomic context (GRCh38, chr11:108,251,961, plus strand): 5'-GGAATAGAGCAAAATATGTGTGAAGTAAATAGAAGCTTTTCTTTAAAGGAATCAATAATG[A>C]AATGGCTCTTATTCTATCAGTTAGAGGGTGACTTAGAAAATAGCACAGAAGTGCCTCCAA-3'
Protein context (NP_000042.3, residues 568-588): RSFSLKESIM[Lys578Gln]WLLFYQLEGD